The following is an entry in ClinVar:

NM_000256.3(MYBPC3):c.3212A>C (p.Asp1071Ala)

Gene: MYBPC3 (myosin binding protein C3; minus strand). Cytogenetic location: 11p11.2.
Variant type: single nucleotide variant.
Coding change: c.3212A>C on transcript NM_000256.3 (MANE Select); coding-DNA position 3212, A replaced by C.
Protein change: p.Asp1071Ala; replaces aspartic acid 1071 with alanine.
Molecular consequence: missense variant.
Genome position (GRCh38, 1-based): chr11:47,333,312, T>G on the plus strand (A>C on the coding strand, the complement: MYBPC3 is on the minus strand). VCF-style: chr11-47333312-T-G. GRCh37 (hg19) VCF-style: chr11-47354863-T-G.
Other names: short protein forms D1071A.
Identifiers: ClinVar variation 2180438 (VCV002180438.4), dbSNP rs1445937499, ClinGen allele CA380314475.

ClinVar aggregate classification (germline): Uncertain significance (1 of 4 stars; one submission).

Conditions:
Hypertrophic cardiomyopathy. Also called: HYPERTROPHIC MYOCARDIOPATHY. Identifiers: Orphanet 217569, MedGen C0007194, MeSH D002312, MONDO:0005045, HP:0001639.

Allele frequency attached by ClinVar (database versions not stated): TOPMed below 0.00001.
gnomAD v4.1: 5 of 1,586,428 alleles (0.00032%); highest among the groups gnomAD compares: Non-Finnish European, 0.00043%; no homozygotes.

Submission:

Labcorp Genetics (formerly Invitae), Labcorp
Classification: Uncertain significance for Hypertrophic cardiomyopathy. Last evaluated: 2022-09-28. Review status: criteria provided, single submitter. Criteria: Invitae Variant Classification Sherloc (09022015). Collection method: clinical testing. Allele origin: germline.
Comment: In summary, the available evidence is currently insufficient to determine the role of this variant in disease. Therefore, it has been classified as a Variant of Uncertain Significance. Algorithms developed to predict the effect of missense changes on protein structure and function are either unavailable or do not agree on the potential impact of this missense change (SIFT: "Deleterious"; PolyPhen-2: "Benign"; Align-GVGD: "Class C45"). This variant has not been reported in the literature in individuals affected with MYBPC3-related conditions. This variant is not present in population databases (gnomAD no frequency). This sequence change replaces aspartic acid, which is acidic and polar, with alanine, which is neutral and non-polar, at codon 1071 of the MYBPC3 protein (p.Asp1071Ala).